The following is an entry in ClinVar:

NM_001276270.2(MBD4):c.179A>G (p.Glu60Gly)

Gene: MBD4 (methyl-CpG binding domain 4, DNA glycosylase; minus strand). Cytogenetic location: 3q21.3.
Variant type: single nucleotide variant.
Coding change: c.179A>G on transcript NM_001276270.2 (MANE Select); coding-DNA position 179, A replaced by G.
Protein change: p.Glu60Gly; replaces glutamic acid 60 with glycine.
Molecular consequence: missense variant.
Genome position (GRCh38, 1-based): chr3:129,437,876, T>C on the plus strand (A>G on the coding strand, the complement: MBD4 is on the minus strand). VCF-style: chr3-129437876-T-C. GRCh37 (hg19) VCF-style: chr3-129156719-T-C.
Other names: c.179A>G, p.Glu60Gly (NM_001276271.2, NM_001276272.2, NM_001276273.2 and 1 more transcripts); short protein forms E60G.
Identifiers: ClinVar variation 5024026 (VCV005024026.1).

ClinVar aggregate classification (germline): Uncertain significance (1 of 4 stars; one submission).

Conditions:
Inborn genetic diseases. Identifiers: MedGen C0950123, MeSH D030342.

Submission:

Ambry Genetics
Classification: Uncertain significance for Inborn genetic diseases. Last evaluated: 2026-07-21. Review status: criteria provided, single submitter. Criteria: Ambry Variant Classification Scheme 2023. Collection method: clinical testing. Allele origin: germline.
Comment: The p.E60G variant (also known as c.179A>G), located in coding exon 2 of the MBD4 gene, results from an A to G substitution at nucleotide position 179. The glutamic acid at codon 60 is replaced by glycine, an amino acid with similar properties. This amino acid position is conserved. In addition, this alteration is predicted to be tolerated by in silico analysis. Based on the available evidence, the clinical significance of this variant remains unclear.